The following is an entry in ClinVar:

ClinVar aggregate classification (germline): Likely benign (0 of 4 stars; one submission).

Conditions:
ARSD-related disorder. Also called: ARSD-related condition.

Allele frequency attached by ClinVar (database versions not stated): TOPMed below 0.00001; ExAC 0.00111.

Submission:

PreventionGenetics, part of Exact Sciences
Classification: Likely benign for ARSD-related condition. Last evaluated: 2020-07-31. Review status: no assertion criteria provided. Collection method: clinical testing. Allele origin: germline.
Comment: This variant is classified as likely benign based on ACMG/AMP sequence variant interpretation guidelines (Richards et al. 2015 PMID: 25741868, with internal and published modifications).

NM_001669.4(ARSD):c.1000+901A>G

Gene: ARSD (arylsulfatase D; minus strand). Cytogenetic location: Xp22.33.
Variant type: single nucleotide variant.
Coding change: c.1000+901A>G on transcript NM_001669.4 (MANE Select); 901 bases into the intron after coding-DNA position 1000, A replaced by G.
Molecular consequence: intron variant. On other transcripts: synonymous variant (1).
Genome position (GRCh38, 1-based): chrX:2,914,655, T>C on the plus strand (A>G on the coding strand, the complement: ARSD is on the minus strand). VCF-style: chrX-2914655-T-C. GRCh37 (hg19) VCF-style: chrX-2832696-T-C.
Other names: c.1119A>G, p.Pro373= (NM_009589.5).
Identifiers: ClinVar variation 3059864 (VCV003059864.2), dbSNP rs113031742, ClinGen allele CA10337555.
Genomic context (GRCh38, chrX:2,914,655, plus strand): 5'-CACATTCAGATTCTGCAAGAATTTTAATGTCTATGCTCTTTTAAGAATCTGCAGCCTCAC[T>C]GGTCCTCTCCAGGGTTTCTTGAAGGCCATAGAAGGAAGACAGCGTGTCTGCATTGTCCTG-3'